The following is an entry in ClinVar:

NM_018341.3(ERMARD):c.1780C>A (p.Leu594Ile)

Gene: ERMARD (ER membrane associated RNA degradation; plus strand). Cytogenetic location: 6q27.
Variant type: single nucleotide variant.
Coding change: c.1780C>A on transcript NM_018341.3 (MANE Select); coding-DNA position 1780, C replaced by A.
Protein change: p.Leu594Ile; replaces leucine 594 with isoleucine.
Molecular consequence: missense variant.
Genome position (GRCh38, 1-based): chr6:169,779,222, C>A. VCF-style: chr6-169779222-C-A. GRCh37 (hg19) VCF-style: chr6-170179318-C-A.
Other names: c.1639C>A, p.Leu547Ile (NM_001278531.2); c.1402C>A, p.Leu468Ile (NM_001278532.2); c.1561C>A, p.Leu521Ile (NM_001278533.2); c.1372C>A, p.Leu458Ile (NM_001410957.1); c.1780C>A (NM_018341.1); short protein forms L458I, L594I, L468I, L521I, L547I.
Identifiers: ClinVar variation 2887130 (VCV002887130.4), dbSNP rs746041255, ClinGen allele CA4106426.
Genomic context (GRCh38, chr6:169,779,222, plus strand): 5'-TTACTTTTATCTGTTTTTAGTATCAGACTACTGTCCCCTGTGCTCAGCCTGATACTGTTA[C>A]TCATTGCGCTGGAGTTGGTCAACATTCATGCTGTTTGTGGGAAGAATGCGCATGAGTATC-3'
Protein context (NP_060811.1, residues 584-604): LSPVLSLILL[Leu594Ile]IALELVNIHA

ClinVar aggregate classification (germline): Uncertain significance. Review status: criteria provided, multiple submitters, no conflicts (2 of 4 stars). 2 submissions from 2 submitters: Uncertain significance (2). Last evaluated 2023-10-27.

Allele frequency attached by ClinVar (database versions not stated): gnomAD 0.00001; gnomAD exomes 0.00004; TOPMed 0.00004; ExAC 0.00007.
gnomAD v4.1: 60 of 1,614,130 alleles (0.0037%); highest among the groups gnomAD compares: Middle Eastern, 0.049%; no homozygotes.

Submissions (2):

Ambry Genetics
Classification: Uncertain significance. Last evaluated: 2023-10-27. Review status: criteria provided, single submitter. Criteria: Ambry Variant Classification Scheme 2023. Collection method: clinical testing. Allele origin: germline.

Labcorp Genetics (formerly Invitae), Labcorp
Classification: Uncertain significance. Last evaluated: 2022-12-10. Review status: criteria provided, single submitter. Criteria: Invitae Variant Classification Sherloc (09022015). Collection method: clinical testing. Allele origin: germline.
Comment: This sequence change replaces leucine, which is neutral and non-polar, with isoleucine, which is neutral and non-polar, at codon 594 of the ERMARD protein (p.Leu594Ile). In summary, the available evidence is currently insufficient to determine the role of this variant in disease. Therefore, it has been classified as a Variant of Uncertain Significance. Advanced modeling of protein sequence and biophysical properties (such as structural, functional, and spatial information, amino acid conservation, physicochemical variation, residue mobility, and thermodynamic stability) performed at Invitae indicates that this missense variant is expected to disrupt ERMARD protein function. This variant has not been reported in the literature in individuals affected with ERMARD-related conditions. This variant is present in population databases (rs746041255, gnomAD 0.05%).